The following is an entry in ClinVar:

NM_024989.4(PGAP1):c.124A>G (p.Met42Val)

Gene: PGAP1 (post-GPI attachment to proteins inositol deacylase 1; minus strand). Cytogenetic location: 2q33.1.
Variant type: single nucleotide variant.
Coding change: c.124A>G on transcript NM_024989.4 (MANE Select); coding-DNA position 124, A replaced by G.
Protein change: p.Met42Val; replaces methionine 42 with valine.
Molecular consequence: missense variant. On other transcripts: 5 prime UTR variant (2).
Genome position (GRCh38, 1-based): chr2:196,926,493, T>C on the plus strand (A>G on the coding strand, the complement: PGAP1 is on the minus strand). VCF-style: chr2-196926493-T-C. GRCh37 (hg19) VCF-style: chr2-197791217-T-C.
Other names: c.-483A>G (NM_001321099.2); c.-988A>G (NM_001321100.2); c.124A>G (NM_024989.3); short protein forms M42V.
Identifiers: ClinVar variation 1495358 (VCV001495358.4), dbSNP rs772948939, ClinGen allele CA350182011.

ClinVar aggregate classification (germline): Uncertain significance. Review status: criteria provided, multiple submitters, no conflicts (2 of 4 stars). 2 submissions from 2 submitters: Uncertain significance (2). Last evaluated 2024-05-15.

Conditions:
Intellectual disability, autosomal recessive 42 (NEDDSBA). Also called: Neurodevelopmental disorder with dysmorphic features, spasticity, and brain abnormalities; GLYCOSYLPHOSPHATIDYLINOSITOL BIOSYNTHESIS DEFECT 9. Identifiers: Orphanet 88616, MedGen C4014343, MONDO:0014348, OMIM 615802.

gnomAD v4.1: 3 of 1,614,062 alleles (0.00019%); highest among the groups gnomAD compares: Non-Finnish European, 0.00025%; no homozygotes.

Submissions (2):

GeneDx
Classification: Uncertain significance. Last evaluated: 2024-05-15. Review status: criteria provided, single submitter. Criteria: GeneDx Variant Classification Process June 2021. Collection method: clinical testing. Allele origin: germline. Affected: yes.
Comment: Has not been previously published as pathogenic or benign to our knowledge; Not observed at significant frequency in large population cohorts (gnomAD); In silico analysis supports that this missense variant has a deleterious effect on protein structure/function

Labcorp Genetics (formerly Invitae), Labcorp
Classification: Uncertain significance for Intellectual disability, autosomal recessive 42. Last evaluated: 2021-09-24. Review status: criteria provided, single submitter. Criteria: Invitae Variant Classification Sherloc (09022015). Collection method: clinical testing. Allele origin: germline.